The following is an entry in ClinVar:

NM_173630.4(RTTN):c.3783G>T (p.Pro1261=)

Gene: RTTN (rotatin; minus strand). Cytogenetic location: 18q22.2.
Variant type: single nucleotide variant.
Coding change: c.3783G>T on transcript NM_173630.4 (MANE Select); coding-DNA position 3783, G replaced by T.
Protein change: p.Pro1261=; no amino-acid change (proline 1261 retained).
Molecular consequence: synonymous variant.
Genome position (GRCh38, 1-based): chr18:70,109,618, C>A on the plus strand (G>T on the coding strand, the complement: RTTN is on the minus strand). VCF-style: chr18-70109618-C-A. GRCh37 (hg19) VCF-style: chr18-67776854-C-A.
Other names: c.1047G>T, p.Pro349= (NM_001318520.2).
Identifiers: ClinVar variation 3032309 (VCV003032309.2), dbSNP rs371484273, ClinGen allele CA301948290.

ClinVar aggregate classification (germline): Likely benign (0 of 4 stars; one submission).

Conditions:
RTTN-related disorder. Also called: RTTN-related condition.

Submission:

PreventionGenetics, part of Exact Sciences
Classification: Likely benign for RTTN-related condition. Last evaluated: 2020-10-07. Review status: no assertion criteria provided. Collection method: clinical testing. Allele origin: germline.
Comment: This variant is classified as likely benign based on ACMG/AMP sequence variant interpretation guidelines (Richards et al. 2015 PMID: 25741868, with internal and published modifications).